The following is an entry in ClinVar:

ClinVar aggregate classification (germline): Uncertain significance (1 of 4 stars; one submission).

Conditions:
Hereditary cancer-predisposing syndrome. Also called: Neoplastic Syndromes, Hereditary; Tumor predisposition; Hereditary neoplastic syndrome; Hereditary Cancer Syndrome. Identifiers: Orphanet 140162, MedGen C0027672, MeSH D009386, MONDO:0015356.

Submission:

Ambry Genetics
Classification: Uncertain significance for Hereditary cancer-predisposing syndrome. Last evaluated: 2026-07-06. Review status: criteria provided, single submitter. Criteria: Ambry Variant Classification Scheme 2023. Collection method: clinical testing. Allele origin: germline.
Comment: The p.H388R variant (also known as c.1163A>G), located in coding exon 1 of the MET gene, results from an A to G substitution at nucleotide position 1163. The histidine at codon 388 is replaced by arginine, an amino acid with highly similar properties. This amino acid position is conserved. In addition, the in silico prediction for this alteration is inconclusive. Based on the available evidence, the clinical significance of this variant remains unclear.

NM_000245.4(MET):c.1163A>G (p.His388Arg)

Gene: MET (MET proto-oncogene, receptor tyrosine kinase; plus strand). Cytogenetic location: 7q31.2.
Variant type: single nucleotide variant.
Coding change: c.1163A>G on transcript NM_000245.4 (MANE Select); coding-DNA position 1163, A replaced by G.
Protein change: p.His388Arg; replaces histidine 388 with arginine.
Molecular consequence: missense variant. On other transcripts: intron variant (1).
Genome position (GRCh38, 1-based): chr7:116,700,247, A>G. VCF-style: chr7-116700247-A-G. GRCh37 (hg19) VCF-style: chr7-116340301-A-G.
Other names: c.1163A>G, p.His388Arg (NM_001127500.3, NM_001324401.3); c.-91+27670A>G (NM_001324402.2); short protein forms H388R.
Identifiers: ClinVar variation 5024349 (VCV005024349.1).